The following is an entry in ClinVar:

ClinVar aggregate classification (germline): Uncertain significance. Review status: criteria provided, multiple submitters, no conflicts (2 of 4 stars). 2 submissions from 2 submitters: Uncertain significance (2). Last evaluated 2024-10-30.

Allele frequency attached by ClinVar (database versions not stated): ExAC 0.00001; gnomAD 0.00001; TOPMed 0.00002; gnomAD exomes 0.00004; ESP Exome Variant Server 0.00008.
gnomAD v4.1: 58 of 1,613,490 alleles (0.0036%); highest among the groups gnomAD compares: Non-Finnish European, 0.0046%; no homozygotes.

Submissions (2):

Ambry Genetics
Classification: Uncertain significance. Last evaluated: 2024-10-30. Review status: criteria provided, single submitter. Criteria: Ambry Variant Classification Scheme 2023. Collection method: clinical testing. Allele origin: germline.

Labcorp Genetics (formerly Invitae), Labcorp
Classification: Uncertain significance. Last evaluated: 2022-08-27. Review status: criteria provided, single submitter. Criteria: Invitae Variant Classification Sherloc (09022015). Collection method: clinical testing. Allele origin: germline.
Comment: This sequence change replaces aspartic acid, which is acidic and polar, with asparagine, which is neutral and polar, at codon 788 of the HMCN1 protein (p.Asp788Asn). In summary, the available evidence is currently insufficient to determine the role of this variant in disease. Therefore, it has been classified as a Variant of Uncertain Significance. Algorithms developed to predict the effect of missense changes on protein structure and function are either unavailable or do not agree on the potential impact of this missense change (SIFT: "Tolerated"; PolyPhen-2: "Probably Damaging"; Align-GVGD: "Class C0"). This variant has not been reported in the literature in individuals affected with HMCN1-related conditions. This variant is present in population databases (rs377369461, gnomAD 0.002%).

NM_031935.3(HMCN1):c.2362G>A (p.Asp788Asn)

Gene: HMCN1 (hemicentin 1; plus strand). Cytogenetic location: 1q31.1.
Variant type: single nucleotide variant.
Coding change: c.2362G>A on transcript NM_031935.3 (MANE Select); coding-DNA position 2362, G replaced by A.
Protein change: p.Asp788Asn; replaces aspartic acid 788 with asparagine.
Molecular consequence: missense variant.
Genome position (GRCh38, 1-based): chr1:185,970,484, G>A. VCF-style: chr1-185970484-G-A. GRCh37 (hg19) VCF-style: chr1-185939616-G-A.
Other names: c.2362G>A (NM_031935.2); short protein forms D788N.
Identifiers: ClinVar variation 2413691 (VCV002413691.7), dbSNP rs377369461, ClinGen allele CA1291363.
Genomic context (GRCh38, chr1:185,970,484, plus strand): 5'-GGCGATTATACCTGTGTAGCCATCAATGAGGCTGGAAGAGCAACTGGCAAGATAACTCTG[G>A]ATGTTGGCTGTAAGCCTCCAGATCTTATAGGCCAATTTGTTTAGAAATTGATATGTTATT-3'
Protein context (NP_114141.2, residues 778-798): AGRATGKITL[Asp788Asn]VGSPPVFIQE